The following is an entry in ClinVar:

ClinVar aggregate classification (germline): Pathogenic/Likely pathogenic. Review status: criteria provided, multiple submitters, no conflicts (2 of 4 stars). 6 submissions from 6 submitters: Pathogenic (4); Likely pathogenic (2). Last evaluated 2025-07-27.

Conditions:
Cataract 41 (CTRCT41). Also called: CATARACT 41, CONGENITAL NUCLEAR TYPE. Identifiers: Orphanet 91492, Orphanet 98991, Orphanet 98992, Orphanet 98995, MedGen C3805412, MONDO:0007287, OMIM 116400.
Wolfram-like syndrome. Also called: HEARING LOSS, PROGRESSIVE, WITH OPTIC ATROPHY AND/OR IMPAIRED GLUCOSE REGULATION. Identifiers: Orphanet 411590, MedGen C3280358, MONDO:0013673, OMIM 614296.
Autosomal dominant nonsyndromic hearing loss 6 (LFSNHL). Also called: DEAFNESS, AUTOSOMAL DOMINANT 6; DEAFNESS, AUTOSOMAL DOMINANT 14; DEAFNESS, AUTOSOMAL DOMINANT 38; Autosomal dominant nonsyndromic deafness 6. Identifiers: Orphanet 90635, MedGen C1833021, MONDO:0010963, OMIM 600965.
Type 2 diabetes mellitus. Also called: Type II diabetes mellitus. Identifiers: MedGen C0011860, MeSH D003924, MONDO:0005148, OMIM 125853, HP:0005978.
Wolfram syndrome 1 (WFS1). Identifiers: Orphanet 3463, MedGen C4551693, MONDO:0009101, OMIM 222300.
WFS1-Related Spectrum Disorders.

Allele frequency attached by ClinVar (database versions not stated): gnomAD 0.00002; TOPMed 0.00002; gnomAD exomes below 0.00001.
gnomAD v4.1: 7 of 1,613,216 alleles (0.00043%); highest among the groups gnomAD compares: African/African-American, 0.008%; no homozygotes.

Submissions (6):

Labcorp Genetics (formerly Invitae), Labcorp
Classification: Pathogenic. Last evaluated: 2025-07-27. Review status: criteria provided, single submitter. Criteria: Invitae Variant Classification Sherloc (09022015). Collection method: clinical testing. Allele origin: germline.
Comment: This sequence change creates a premature translational stop signal (p.Tyr669*) in the WFS1 gene. While this is not anticipated to result in nonsense mediated decay, it is expected to disrupt the last 222 amino acid(s) of the WFS1 protein. This variant is present in population databases (no rsID available, gnomAD 0.008%). This premature translational stop signal has been observed in individual(s) with autosomal recessive Wolfram syndrome (PMID: 19042979). It has also been observed to segregate with disease in related individuals. ClinVar contains an entry for this variant (Variation ID: 802052). This variant disrupts the p.Ala806 amino acid residue in WFS1. Other variant(s) that disrupt this residue have been determined to be pathogenic (PMID: 24890733). This suggests that this residue is clinically significant, and that variants that disrupt this residue are likely to be disease-causing. For these reasons, this variant has been classified as Pathogenic.

Fulgent Genetics
Classification: Pathogenic for Cataract 41; Type 2 diabetes mellitus; Wolfram syndrome 1; Autosomal dominant nonsyndromic hearing loss 6; Wolfram-like syndrome. Last evaluated: 2024-03-19. Review status: criteria provided, single submitter. Criteria: ACMG Guidelines, 2015. Collection method: clinical testing. Allele origin: germline.

Dasa
Classification: Likely pathogenic. Last evaluated: 2022-04-10. Review status: criteria provided, single submitter. Criteria: ACMG Guidelines, 2015. Collection method: clinical testing. Allele origin: germline. Affected: yes. Observed: 1 variant allele.
Comment: The c.2007T>G;p.(Tyr669*) variant creates a premature translational stop signal in the WFS1 gene without sufficient information about prediction of nonsense mediated mRNA decay (NMD) type change; it is present in a relevant exon to the transcript, and disrupts >10% of the protein product. PVS1_strong. This sequence change has been observed in affected individual(s) and ClinVar contains an entry for this variant (ClinVar ID: 802052; PMID: 31313226; 19042979; 28802351; 20738327) - PS4_supporting. The variant is present at low allele frequencies population databases (rs1443751733 – gnomAD 0.0001971%; ABraOM no frequency) - PM2_supporting. The p.(Tyr669*) was detected in trans with a pathogenic variant (PMID: 19042979) - PM3_supporting. In summary, the currently available evidence indicates that the variant is likely pathogenic.

Laboratorio de Genetica e Diagnostico Molecular, Hospital Israelita Albert Einstein
Classification: Likely pathogenic. Last evaluated: 2019-06-20. Review status: criteria provided, single submitter. Criteria: ACMG Guidelines, 2015. Collection method: clinical testing. Allele origin: germline. Affected: yes.
Comment: ACMG classification criteria: PVS1, PM2

Mendelics
Classification: Pathogenic for Wolfram syndrome 1. Last evaluated: 2019-05-28. Review status: criteria provided, single submitter. Criteria: Mendelics Assertion Criteria 2017. Collection method: clinical testing. Allele origin: unknown.

Clinical Genomics, Uppaluri K&H Personalized Medicine Clinic
Classification: Pathogenic for Wolfram syndrome 1. Review status: criteria provided, single submitter. Criteria: K & H Uppaluri Personalized Medicine Clinic Variant Classification & Assertion Criteria_Updated V.1. Collection method: research. Allele origin: unknown. Inheritance: Autosomal recessive inheritance.
Comment: Potent mutations in WFS1 gene are associated with Wolfram's syndrome, an autosomal recessive condition, which cause diabetes mellitus, diabetes insipidus, deafness and optic atrophy.However no sufficient evidence is found to ascertain the role of this particular variant rs1443751733 in Wolfram's syndrome yet.

Literature cited by the submitters: PubMed 19042979 (cited by Labcorp Genetics (formerly Invitae), Labcorp and Dasa); PubMed 24890733 (cited by Labcorp Genetics (formerly Invitae), Labcorp); PubMed 31313226 (cited by Dasa); PubMed 28802351 (cited by Dasa); PubMed 20738327 (cited by Dasa and Clinical Genomics, Uppaluri K&H Personalized Medicine Clinic); PubMed 17603484 (cited by Clinical Genomics, Uppaluri K&H Personalized Medicine Clinic); PubMed 20301750 (cited by Clinical Genomics, Uppaluri K&H Personalized Medicine Clinic); PubMed 18060660 (cited by Clinical Genomics, Uppaluri K&H Personalized Medicine Clinic); PubMed 12955714 (cited by Clinical Genomics, Uppaluri K&H Personalized Medicine Clinic); PubMed 33879153 (cited by Clinical Genomics, Uppaluri K&H Personalized Medicine Clinic).

NM_006005.3(WFS1):c.2007T>G (p.Tyr669Ter)

Gene: WFS1 (wolframin ER transmembrane glycoprotein; plus strand). Cytogenetic location: 4p16.1.
Variant type: single nucleotide variant.
Coding change: c.2007T>G on transcript NM_006005.3 (MANE Select); coding-DNA position 2007, T replaced by G.
Protein change: p.Tyr669Ter; replaces tyrosine 669 with a stop codon.
Molecular consequence: nonsense.
Genome position (GRCh38, 1-based): chr4:6,301,802, T>G. VCF-style: chr4-6301802-T-G. GRCh37 (hg19) VCF-style: chr4-6303529-T-G.
Other names: c.2007T>G, p.Tyr669Ter (NM_001145853.1); short protein forms Y669*.
Identifiers: ClinVar variation 802052 (VCV000802052.19), dbSNP rs1443751733, ClinGen allele CA356177277.